The following is an entry in ClinVar:

NM_007294.4(BRCA1):c.3325_3329del (p.Lys1109fs)

Genes: BRCA1 (BRCA1 DNA repair associated; minus strand), LOC126862571 (BRD4-independent group 4 enhancer GRCh37_chr17:41243136-41244335; plus strand). Cytogenetic location: 17q21.31.
Variant type: Deletion.
Coding change: c.3325_3329del on transcript NM_007294.4 (MANE Select); coding-DNA positions 3325 to 3329, 5 bases deleted (AAAAA; older notation c.3325_3329delAAAAA).
Protein change: p.Lys1109fs; shifts the reading frame from lysine 1109.
Molecular consequence: frameshift variant. On other transcripts: intron variant (137).
Genome position (GRCh38, 1-based): chr17:43,092,202-43,092,206, TTTTT deleted on the plus strand (AAAAA on the coding strand, the reverse complement: BRCA1 is on the minus strand); deleting any 5 consecutive bases within chr17:43,092,202-43,092,207 gives the same sequence; the c. name uses the placement nearest the transcript's 3' end. VCF-style (leftmost placement, unchanged base first): chr17-43092201-CTTTTT-C. GRCh37 (hg19) VCF-style: chr17-41244218-CTTTTT-C.
Other names: 3444del5; c.3325_3329delAAAAA (NM_007294.3); c.2992_2996del, p.Lys998fs (NM_001407957.1, NM_001407946.1, NM_001407947.1 and 6 more transcripts); c.2989_2993del, p.Lys997fs (NM_001407958.1, NM_001407954.1, NM_001407955.1 and 1 more transcripts); c.2944_2948del, p.Lys982fs (NM_001407959.1, NM_001407960.1, NM_001407963.1); c.2941_2945del, p.Lys981fs (NM_001407962.1); c.3181_3185del, p.Lys1061fs (NM_001407964.1, NM_001407740.1, NM_001407741.1 and 20 more transcripts); c.2821_2825del, p.Lys941fs (NM_001407965.1); and 43 more; short protein forms K1062fs, K1109fs, K1041fs, K1067fs, K1068fs, K813fs, K998fs, K1021fs.
Identifiers: ClinVar variation 54838 (VCV000054838.4), dbSNP rs80357575, ClinGen allele CA002143.

ClinVar aggregate classification (germline): Pathogenic. Review status: reviewed by expert panel (3 of 4 stars). 3 submissions from 3 submitters: Pathogenic (1). 2 of the submissions do not count toward it. Last evaluated 2016-09-08.

Conditions:
Hereditary cancer-predisposing syndrome. Also called: Tumor predisposition; Neoplastic Syndromes, Hereditary; Hereditary Cancer Syndrome; Hereditary neoplastic syndrome. Identifiers: Orphanet 140162, MedGen C0027672, MeSH D009386, MONDO:0015356.
Breast-ovarian cancer, familial, susceptibility to, 1 (BROVCA1). Also called: OVARIAN CANCER, SUSCEPTIBILITY TO; BRCA1 Hereditary Breast and Ovarian Cancer. Identifiers: Orphanet 145, MedGen C2676676, MONDO:0011450, OMIM 604370. Disease mechanism: loss of function.

Submissions (3):

Evidence-based Network for the Interpretation of Germline Mutant Alleles (ENIGMA)
Classification: Pathogenic for Breast-ovarian cancer, familial, susceptibility to, 1. Last evaluated: 2016-09-08. Review status: reviewed by expert panel. Criteria: ENIGMA BRCA1/2 Classification Criteria (2015). Collection method: curation. Allele origin: germline.
Comment: Variant allele predicted to encode a truncated non-functional protein.

Ambry Genetics
Classification: Pathogenic for Hereditary cancer-predisposing syndrome. Last evaluated: 2024-05-20. Review status: criteria provided, single submitter. Criteria: Ambry Variant Classification Scheme 2023. Collection method: clinical testing. Allele origin: germline. Not counted in ClinVar's aggregate classification.
Comment: The c.3325_3329delAAAAA pathogenic mutation, located in coding exon 9 of the BRCA1 gene, results from a deletion of 5 nucleotides at nucleotide positions 3325 to 3329, causing a translational frameshift with a predicted alternate stop codon (p.K1109Afs*4). This variant is considered to be rare based on population cohorts in the Genome Aggregation Database (gnomAD). This alteration is expected to result in loss of function by premature protein truncation or nonsense-mediated mRNA decay. As such, this alteration is interpreted as a disease-causing mutation.

Breast Cancer Information Core (BIC) (BRCA1)
Classification: Pathogenic for Breast-ovarian cancer, familial 1. Last evaluated: 2003-12-23. Review status: no assertion criteria provided. Collection method: clinical testing. Allele origin: germline. Affected: yes. Observed: 1 variant allele. Not counted in ClinVar's aggregate classification.